The following is an entry in ClinVar:

NM_004415.4(DSP):c.7637A>C (p.Gln2546Pro)

Gene: DSP (desmoplakin; plus strand). Cytogenetic location: 6p24.3.
Variant type: single nucleotide variant.
Coding change: c.7637A>C on transcript NM_004415.4 (MANE Select); coding-DNA position 7637, A replaced by C.
Protein change: p.Gln2546Pro; replaces glutamine 2546 with proline.
Molecular consequence: missense variant.
Genome position (GRCh38, 1-based): chr6:7,584,899, A>C. VCF-style: chr6-7584899-A-C. GRCh37 (hg19) VCF-style: chr6-7585132-A-C.
Other names: c.5840A>C, p.Gln1947Pro (NM_001008844.3); c.6308A>C, p.Gln2103Pro (NM_001319034.2); short protein forms Q1947P, Q2103P, Q2546P.
Identifiers: ClinVar variation 3072229 (VCV003072229.1), dbSNP rs1204856152, ClinGen allele CA362693451.

ClinVar aggregate classification (germline): Uncertain significance (1 of 4 stars; one submission).

Conditions:
Arrhythmogenic cardiomyopathy with wooly hair and keratoderma. Also called: PALMOPLANTAR KERATODERMA WITH LEFT VENTRICULAR CARDIOMYOPATHY AND WOOLLY HAIR; Carvajal syndrome; Dilated cardiomyopathy with woolly hair and keratoderma; Arrhythmogenic cardiomyopathy with woolly hair and keratoderma. Identifiers: Orphanet 65282, MedGen C1854063, MONDO:0011581, OMIM 605676.

Allele frequency attached by ClinVar (database versions not stated): TOPMed below 0.00001; gnomAD 0.00001.
gnomAD v4.1: 1 of 1,614,132 alleles (0.000062%); highest among the groups gnomAD compares: Non-Finnish European, 0.000085%; no homozygotes.

Submission:

All of Us Research Program, National Institutes of Health
Classification: Uncertain significance for Arrhythmogenic cardiomyopathy with wooly hair and keratoderma. Last evaluated: 2023-06-26. Review status: criteria provided, single submitter. Criteria: ACMG Guidelines, 2015. Collection method: clinical testing. Allele origin: germline. Inheritance: Autosomal dominant inheritance. Observed: 1 variant allele, 1 heterozygote.
Comment: This missense variant replaces glutamine with proline at codon 2546 of the DSP protein. Computational prediction suggests that this variant may have deleterious impact on protein structure and function (internally defined REVEL score threshold >= 0.7, PMID: 27666373). To our knowledge, functional studies have not been reported for this variant. This variant has not been reported in individuals affected with DSP-related disorders in the literature. This variant has not been identified in the general population by the Genome Aggregation Database (gnomAD). The available evidence is insufficient to determine the role of this variant in disease conclusively. Therefore, this variant is classified as a Variant of Uncertain Significance.

This study involves interpretation of variants in research participants for the purpose of population health screening. Participant phenotype was not available at the time of variant classification. Additional details can be found in publication PMID: 35346344, PMCID: PMC8962531